The following is an entry in ClinVar:

ClinVar aggregate classification (germline): Pathogenic (1 of 4 stars; one submission).

Submission:

Labcorp Genetics (formerly Invitae), Labcorp
Classification: Pathogenic. Last evaluated: 2023-04-26. Review status: criteria provided, single submitter. Criteria: Invitae Variant Classification Sherloc (09022015). Collection method: clinical testing. Allele origin: germline.
Comment: For these reasons, this variant has been classified as Pathogenic. This variant has not been reported in the literature in individuals affected with MCM3AP-related conditions. This variant is not present in population databases (gnomAD no frequency). This sequence change creates a premature translational stop signal (p.Leu1163Serfs*4) in the MCM3AP gene. It is expected to result in an absent or disrupted protein product. Loss-of-function variants in MCM3AP are known to be pathogenic (PMID: 28633435).

Literature cited by the submitters: PubMed 28633435.

NM_003906.5(MCM3AP):c.3485_3486dup (p.Leu1163fs)

Gene: MCM3AP (minichromosome maintenance complex component 3 associated protein; minus strand). Cytogenetic location: 21q22.3.
Variant type: Microsatellite.
Coding change: c.3485_3486dup on transcript NM_003906.5 (MANE Select); coding-DNA positions 3485 to 3486, 2 bases duplicated (AG; older notation c.3485_3486dupAG).
Protein change: p.Leu1163fs; shifts the reading frame from leucine 1163.
Molecular consequence: frameshift variant.
Genome position (GRCh38, 1-based): chr21:46,260,888-46,260,889, CT duplicated on the plus strand (AG on the coding strand, the reverse complement: MCM3AP is on the minus strand); duplicating any 2 consecutive bases within chr21:46,260,888-46,260,897 gives the same sequence; the c. name uses the placement nearest the transcript's 3' end. VCF-style (leftmost placement, unchanged base first): chr21-46260887-G-GCT. GRCh37 (hg19) VCF-style: chr21-47680801-G-GCT.
Other names: short protein forms L1163fs.
Identifiers: ClinVar variation 2801531 (VCV002801531.3), dbSNP rs750916198, ClinGen allele CA2655003559.
Genomic context (GRCh38, chr21:46,260,887, plus strand): 5'-CCATCATCACGCGTTCCATCAGCTCCACGGCCAGGCCCTGGCTCAGCTCACTTAACACCA[G>GCT]CTCTCTCTCTTGTTTCAACCTACAGGGAAGAGAAAAAATACACAAGGGTAATGTTTAAGA-3'